The following is an entry in ClinVar:

ClinVar aggregate classification (germline): Pathogenic/Likely pathogenic. Review status: criteria provided, multiple submitters, no conflicts (2 of 4 stars). 4 submissions from 4 submitters: Pathogenic (2); Likely pathogenic (1). 1 of the submissions does not count toward it. Last evaluated 2026-02-03.

Conditions:
Fetal anomalies with a likely genetic cause.
Orofaciodigital syndrome type 14. Also called: Orofaciodigital syndrome xiv. Identifiers: Orphanet 434179, MedGen C4706604, MONDO:0014413, OMIM 615948.

Allele frequency attached by ClinVar (database versions not stated): gnomAD 0.00016; TOPMed 0.00016; gnomAD exomes 0.00017 and 0.00018; ExAC 0.00026; ESP Exome Variant Server 0.00046.
gnomAD v4.1: 269 of 1,597,040 alleles (0.017%); highest among the groups gnomAD compares: Non-Finnish European, 0.022%; no homozygotes.

Submissions (5):

Genetics Laboratory, Great Ormond Street Hospital NHS Foundation Trust, North Thames Genomic Laboratory Hub
Classification: Pathogenic for Fetal anomalies with a likely genetic cause. Last evaluated: 2026-02-03. Review status: criteria provided, single submitter. Criteria: ACGS Best Practice Guidelines for Variant Classification in Rare Disease 2024 v1.2. Collection method: clinical testing. Allele origin: germline. Affected: yes.
Comment: PM2_moderate, PVS1_very-strong

Labcorp Genetics (formerly Invitae), Labcorp
Classification: Pathogenic. Last evaluated: 2025-12-08. Review status: criteria provided, single submitter. Criteria: Invitae Variant Classification Sherloc (09022015). Collection method: clinical testing. Allele origin: germline.
Comment: This sequence change affects an acceptor splice site in intron 21 of the C2CD3 gene. RNA analysis indicates that disruption of this splice site induces altered splicing and may result in an absent or altered protein product. This variant is present in population databases (rs149366137, gnomAD 0.03%). Disruption of this splice site has been observed in individual(s) with oral-facial-digital syndrome (PMID: 24997988). ClinVar contains an entry for this variant (Variation ID: 144040). Studies have shown that disruption of this splice site results in activation of a cryptic splice site, and produces a non-functional protein and/or introduces a premature termination codon (PMID: 24997988). For these reasons, this variant has been classified as Pathogenic.

Revvity Omics, Revvity
Classification: Likely pathogenic for Orofaciodigital syndrome type 14. Last evaluated: 2025-04-01. Review status: criteria provided, single submitter. Criteria: ACMG Guidelines, 2015. Collection method: clinical testing. Allele origin: germline.

OMIM
Classification: Pathogenic for OROFACIODIGITAL SYNDROME XIV. Last evaluated: 2014-08-01. Review status: no assertion criteria provided. Collection method: literature only. Allele origin: germline. Not counted in ClinVar's aggregate classification.

Dr. Peter K. Rogan Lab, Western University
No classification provided (evidence only). Condition: Malignant tumor of urinary bladder. Review status: no classification provided. Collection method: in vitro. Allele origin: not applicable. Functional consequence: retained intron. Not counted in ClinVar's aggregate classification.

Literature cited by the submitters: PubMed 24997988 (cited by Labcorp Genetics (formerly Invitae), Labcorp and OMIM).

NM_001286577.2(C2CD3):c.3911-2A>T

Gene: C2CD3 (C2 domain containing 3 centriole elongation regulator; minus strand). Cytogenetic location: 11q13.4.
Variant type: single nucleotide variant.
Coding change: c.3911-2A>T on transcript NM_001286577.2 (MANE Select); the canonical splice acceptor site of the intron before coding-DNA position 3911, A replaced by T.
Molecular consequence: splice acceptor variant.
Genome position (GRCh38, 1-based): chr11:74,084,972, T>A on the plus strand (A>T on the coding strand, the complement: C2CD3 is on the minus strand). VCF-style: chr11-74084972-T-A. GRCh37 (hg19) VCF-style: chr11-73796017-T-A.
Other names: C2CD3, IVS21AS, A-T, -2; IVS21AS, A-T, -2; c.3911-2A>T (NM_015531.6).
Identifiers: ClinVar variation 144040 (VCV000144040.12), dbSNP rs149366137, ClinGen allele CA170604.